The following is an entry in ClinVar:

ClinVar aggregate classification (germline): Uncertain significance. Review status: criteria provided, multiple submitters, no conflicts (2 of 4 stars). 6 submissions from 6 submitters: Uncertain significance (6). Last evaluated 2025-07-26.

Conditions:
Xeroderma pigmentosum (XP). Identifiers: Orphanet 910, MedGen C0043346, MONDO:0019600.

Allele frequency attached by ClinVar (database versions not stated): TOPMed 0.00006; gnomAD 0.00007; ESP Exome Variant Server 0.00008.

Submissions (6):

GeneDx
Classification: Uncertain significance. Last evaluated: 2025-07-26. Review status: criteria provided, single submitter. Criteria: GeneDx Variant Classification Process June 2021. Collection method: clinical testing. Allele origin: germline. Affected: yes.
Comment: In silico analysis supports that this missense variant has a deleterious effect on protein structure/function; This variant is associated with the following publications: (PMID: 34308104, 27085493, 26344056)

Dasa
Classification: Uncertain significance. Last evaluated: 2025-04-30. Review status: criteria provided, single submitter. Criteria: DASA Assertion Criteria. Collection method: clinical testing. Allele origin: germline.
Comment: NM_000400.4(ERCC2):c.373C>T (p.Arg125Cys) is a missense variant that results in the substitution of arginine with cysteine. This variant is rare in population databases. Computational prediction algorithms are consistent with a deleterious effect. The currently available literature and clinical evidence are not sufficient to establish a definitive association between this variant and the reported condition. Therefore, this variant is classified as a variant of uncertain significance.

CeGaT Center for Human Genetics Tuebingen
Classification: Uncertain significance. Last evaluated: 2024-01-01. Review status: criteria provided, single submitter. Criteria: CeGaT Center For Human Genetics Tuebingen Variant Classification Criteria Version 2. Collection method: clinical testing. Allele origin: germline. Affected: yes. Observed: 1 variant allele.
Comment: ERCC2: PM2:Supporting, PP3

Blueprint Genetics
Classification: Uncertain significance. Last evaluated: 2022-10-24. Review status: criteria provided, single submitter. Criteria: ACMG Guidelines, 2015. Collection method: clinical testing. Allele origin: germline.

Labcorp Genetics (formerly Invitae), Labcorp
Classification: Uncertain significance. Last evaluated: 2022-09-16. Review status: criteria provided, single submitter. Criteria: Invitae Variant Classification Sherloc (09022015). Collection method: clinical testing. Allele origin: germline.
Comment: This sequence change replaces arginine, which is basic and polar, with cysteine, which is neutral and slightly polar, at codon 125 of the ERCC2 protein (p.Arg125Cys). This variant is present in population databases (rs372425466, gnomAD 0.008%). This variant has not been reported in the literature in individuals affected with ERCC2-related conditions. ClinVar contains an entry for this variant (Variation ID: 1394650). Advanced modeling of protein sequence and biophysical properties (such as structural, functional, and spatial information, amino acid conservation, physicochemical variation, residue mobility, and thermodynamic stability) performed at Invitae indicates that this missense variant is expected to disrupt ERCC2 protein function. In summary, the available evidence is currently insufficient to determine the role of this variant in disease. Therefore, it has been classified as a Variant of Uncertain Significance.

Sema4
Classification: Uncertain significance for Xeroderma pigmentosum. Last evaluated: 2021-09-08. Review status: criteria provided, single submitter. Criteria: Sema4 Curation Guidelines. Collection method: curation. Allele origin: germline.
Comment: To the best of our knowledge, the ERCC2 c.373C>T (p.R125C) variant has not been reported in individuals with ERCC2-related disease. It was observed in 13/282334 chromosomes, with no homozygotes, across all populations in the large and broad cohorts of the Genome Aggregation Database (PMID: 32461654). The variant has not been reported in ClinVar. In silico tools suggest the impact of the variant on protein function is deleterious, though these predictions have not been confirmed by functional studies. The evidence is insufficient to meet ACMG/AMP criteria for classifying the variant as benign or pathogenic. Thus, the clinical significance of this variant is currently uncertain.

NM_000400.4(ERCC2):c.373C>T (p.Arg125Cys)

Gene: ERCC2 (ERCC excision repair 2, TFIIH core complex helicase subunit; minus strand). Cytogenetic location: 19q13.32.
Variant type: single nucleotide variant.
Coding change: c.373C>T on transcript NM_000400.4 (MANE Select); coding-DNA position 373, C replaced by T.
Protein change: p.Arg125Cys; replaces arginine 125 with cysteine.
Molecular consequence: missense variant.
Genome position (GRCh38, 1-based): chr19:45,365,146, G>A on the plus strand (C>T on the coding strand, the complement: ERCC2 is on the minus strand). VCF-style: chr19-45365146-G-A. GRCh37 (hg19) VCF-style: chr19-45868404-G-A.
Other names: c.301C>T, p.Arg101Cys (NM_001130867.2); short protein forms R101C, R125C.
Identifiers: ClinVar variation 1394650 (VCV001394650.32), dbSNP rs372425466, ClinGen allele CA9513809.